The following is an entry in ClinVar:

ClinVar aggregate classification (germline): Uncertain significance. Review status: criteria provided, multiple submitters, no conflicts (2 of 4 stars). 2 submissions from 2 submitters: Uncertain significance (2). Last evaluated 2025-09-05.

Conditions:
Renal cell carcinoma. Identifiers: Orphanet 217071, MedGen C0007134, MeSH D002292, MONDO:0005086, HP:0005584.
Hereditary cancer-predisposing syndrome. Also called: Neoplastic Syndromes, Hereditary; Hereditary Cancer Syndrome; Tumor predisposition; Hereditary neoplastic syndrome. Identifiers: Orphanet 140162, MedGen C0027672, MeSH D009386, MONDO:0015356.

gnomAD v4.1: 1 of 1,614,048 alleles (0.000062%); highest among the groups gnomAD compares: South Asian, 0.0011%; no homozygotes.

Submissions (2):

Labcorp Genetics (formerly Invitae), Labcorp
Classification: Uncertain significance for Renal cell carcinoma. Last evaluated: 2025-09-05. Review status: criteria provided, single submitter. Criteria: Invitae Variant Classification Sherloc (09022015). Collection method: clinical testing. Allele origin: germline.
Comment: This sequence change replaces glutamine, which is neutral and polar, with proline, which is neutral and non-polar, at codon 129 of the MET protein (p.Gln129Pro). This variant is not present in population databases (gnomAD no frequency). This variant has not been reported in the literature in individuals affected with MET-related conditions. ClinVar contains an entry for this variant (Variation ID: 969538). Invitae Evidence Modeling of protein sequence and biophysical properties (such as structural, functional, and spatial information, amino acid conservation, physicochemical variation, residue mobility, and thermodynamic stability) has been performed for this missense variant. However, the output from this modeling did not meet the statistical confidence thresholds required to predict the impact of this variant on MET protein function. In summary, the available evidence is currently insufficient to determine the role of this variant in disease. Therefore, it has been classified as a Variant of Uncertain Significance.

Ambry Genetics
Classification: Uncertain significance for Hereditary cancer-predisposing syndrome. Last evaluated: 2023-03-19. Review status: criteria provided, single submitter. Criteria: Ambry Variant Classification Scheme 2023. Collection method: clinical testing. Allele origin: germline.
Comment: The p.Q129P variant (also known as c.386A>C), located in coding exon 1 of the MET gene, results from an A to C substitution at nucleotide position 386. The glutamine at codon 129 is replaced by proline, an amino acid with similar properties. This amino acid position is conserved. In addition, the in silico prediction for this alteration is inconclusive. Since supporting evidence is limited at this time, the clinical significance of this alteration remains unclear.

NM_000245.4(MET):c.386A>C (p.Gln129Pro)

Gene: MET (MET proto-oncogene, receptor tyrosine kinase; plus strand). Cytogenetic location: 7q31.2.
Variant type: single nucleotide variant.
Coding change: c.386A>C on transcript NM_000245.4 (MANE Select); coding-DNA position 386, A replaced by C.
Protein change: p.Gln129Pro; replaces glutamine 129 with proline.
Molecular consequence: missense variant. On other transcripts: intron variant (1).
Genome position (GRCh38, 1-based): chr7:116,699,470, A>C. VCF-style: chr7-116699470-A-C. GRCh37 (hg19) VCF-style: chr7-116339524-A-C.
Other names: c.386A>C, p.Gln129Pro (NM_001127500.3, NM_001324401.3); c.-91+26893A>C (NM_001324402.2); short protein forms Q129P.
Identifiers: ClinVar variation 969538 (VCV000969538.11), dbSNP rs1791478036, ClinGen allele CA368968963.